The following is an entry in ClinVar:

NM_000096.4(CP):c.2056C>T (p.His686Tyr)

Gene: CP (ceruloplasmin; minus strand). Cytogenetic location: 3q24.
Variant type: single nucleotide variant.
Coding change: c.2056C>T on transcript NM_000096.4 (MANE Select); coding-DNA position 2056, C replaced by T.
Protein change: p.His686Tyr; replaces histidine 686 with tyrosine.
Molecular consequence: missense variant.
Genome position (GRCh38, 1-based): chr3:149,186,541, G>A on the plus strand (C>T on the coding strand, the complement: CP is on the minus strand). VCF-style: chr3-149186541-G-A. GRCh37 (hg19) VCF-style: chr3-148904328-G-A.
Other names: short protein forms H686Y.
Identifiers: ClinVar variation 2076653 (VCV002076653.4), dbSNP rs1297586720, ClinGen allele CA354932311.

ClinVar aggregate classification (germline): Uncertain significance (1 of 4 stars; one submission).

Conditions:
Deficiency of ferroxidase (ACEP). Also called: NEURODEGENERATION WITH BRAIN IRON ACCUMULATION 10; Aceruloplasminemia; Ceruloplasmin deficiency; Familial apoceruloplasmin deficiency; Hereditary ceruloplasmin deficiency; Deficiency of ceruloplasmin. Identifiers: Orphanet 48818, MedGen C0878682, MONDO:0011426, OMIM 604290, HP:0025498.

Allele frequency attached by ClinVar (database versions not stated): gnomAD exomes below 0.00001; TOPMed 0.00001.

Submission:

Labcorp Genetics (formerly Invitae), Labcorp
Classification: Uncertain significance for Deficiency of ferroxidase. Last evaluated: 2025-06-20. Review status: criteria provided, single submitter. Criteria: Invitae Variant Classification Sherloc (09022015). Collection method: clinical testing. Allele origin: germline.
Comment: This sequence change replaces histidine, which is basic and polar, with tyrosine, which is neutral and polar, at codon 686 of the CP protein (p.His686Tyr). This variant is not present in population databases (gnomAD no frequency). This variant has not been reported in the literature in individuals affected with CP-related conditions. ClinVar contains an entry for this variant (Variation ID: 2076653). Invitae Evidence Modeling of protein sequence and biophysical properties (such as structural, functional, and spatial information, amino acid conservation, physicochemical variation, residue mobility, and thermodynamic stability) indicates that this missense variant is not expected to disrupt CP protein function with a negative predictive value of 80%. In summary, the available evidence is currently insufficient to determine the role of this variant in disease. Therefore, it has been classified as a Variant of Uncertain Significance.